The following is an entry in ClinVar:

NM_152383.5(DIS3L2):c.1489G>A (p.Ala497Thr)

Gene: DIS3L2 (DIS3 like 3'-5' exoribonuclease 2; plus strand). Cytogenetic location: 2q37.1.
Variant type: single nucleotide variant.
Coding change: c.1489G>A on transcript NM_152383.5 (MANE Select); coding-DNA position 1489, G replaced by A.
Protein change: p.Ala497Thr; replaces alanine 497 with threonine.
Molecular consequence: missense variant. On other transcripts: non-coding transcript variant (2).
Genome position (GRCh38, 1-based): chr2:232,263,270, G>A. VCF-style: chr2-232263270-G-A. GRCh37 (hg19) VCF-style: chr2-233127980-G-A.
Other names: c.1489G>A, p.Ala497Thr (NM_001257281.2); short protein forms A497T.
Identifiers: ClinVar variation 1484257 (VCV001484257.6), dbSNP rs2106281031, ClinGen allele CA350975336.

ClinVar aggregate classification (germline): Uncertain significance (1 of 4 stars; one submission).

Conditions:
Perlman syndrome (PRLMNS). Identifiers: Orphanet 2849, MedGen C0796113, MONDO:0009965, OMIM 267000.

Submission:

Labcorp Genetics (formerly Invitae), Labcorp
Classification: Uncertain significance for Perlman syndrome. Last evaluated: 2021-08-18. Review status: criteria provided, single submitter. Criteria: Invitae Variant Classification Sherloc (09022015). Collection method: clinical testing. Allele origin: germline.
Comment: This sequence change replaces alanine with threonine at codon 497 of the DIS3L2 protein (p.Ala497Thr). The alanine residue is highly conserved and there is a small physicochemical difference between alanine and threonine. This variant is not present in population databases (ExAC no frequency). This variant has not been reported in the literature in individuals affected with DIS3L2-related conditions. Algorithms developed to predict the effect of missense changes on protein structure and function are either unavailable or do not agree on the potential impact of this missense change (SIFT: "Deleterious"; PolyPhen-2: "Probably Damaging"; Align-GVGD: "Class C0"). In summary, the available evidence is currently insufficient to determine the role of this variant in disease. Therefore, it has been classified as a Variant of Uncertain Significance.